The following is an entry in ClinVar:

ClinVar aggregate classification (germline): Uncertain significance. Review status: criteria provided, multiple submitters, no conflicts (2 of 4 stars). 2 submissions from 2 submitters: Uncertain significance (2). Last evaluated 2025-11-17.

Conditions:
Cardiomyopathy (CMYO). Also called: Cardiomyopathies. Identifiers: Orphanet 167848, MedGen C0878544, MONDO:0004994, HP:0001638. Inheritance: Various modes of inheritance.
Catecholaminergic polymorphic ventricular tachycardia 1. Also called: VENTRICULAR TACHYCARDIA, CATECHOLAMINERGIC POLYMORPHIC, 1, WITH OR WITHOUT ATRIAL DYSFUNCTION AND/OR DILATED CARDIOMYOPATHY; VENTRICULAR TACHYCARDIA, STRESS-INDUCED POLYMORPHIC 1; RYR2-Related Catecholaminergic Polymorphic Ventricular Tachycardia. Identifiers: Orphanet 3286, MedGen C1631597, MONDO:0011484, OMIM 604772.

Submissions (2):

Color Diagnostics, LLC DBA Color Health
Classification: Uncertain significance for Cardiomyopathy. Last evaluated: 2025-11-17. Review status: criteria provided, single submitter. Criteria: ACMG Guidelines, 2015. Collection method: clinical testing. Allele origin: germline.
Comment: This missense variant replaces alanine with serine at codon 2725 of the RYR2 protein. Computational prediction is inconclusive regarding the impact of this variant on protein structure and function. To our knowledge, functional studies have not been reported for this variant. This variant has not been reported in individuals affected with RYR2-related disorders in the literature. This variant has been identified in 1/1519080 chromosomes in the general population by the Genome Aggregation Database (gnomAD). The available evidence is insufficient to determine the role of this variant in disease conclusively. Therefore, this variant is classified as a Variant of Uncertain Significance.

Labcorp Genetics (formerly Invitae), Labcorp
Classification: Uncertain significance for Catecholaminergic polymorphic ventricular tachycardia 1. Last evaluated: 2024-11-26. Review status: criteria provided, single submitter. Criteria: Invitae Variant Classification Sherloc (09022015). Collection method: clinical testing. Allele origin: germline.
Comment: This sequence change replaces alanine, which is neutral and non-polar, with serine, which is neutral and polar, at codon 2725 of the RYR2 protein (p.Ala2725Ser). This variant is present in population databases (no rsID available, gnomAD 0.007%). This variant has not been reported in the literature in individuals affected with RYR2-related conditions. Invitae Evidence Modeling of protein sequence and biophysical properties (such as structural, functional, and spatial information, amino acid conservation, physicochemical variation, residue mobility, and thermodynamic stability) has been performed for this missense variant. However, the output from this modeling did not meet the statistical confidence thresholds required to predict the impact of this variant on RYR2 protein function. In summary, the available evidence is currently insufficient to determine the role of this variant in disease. Therefore, it has been classified as a Variant of Uncertain Significance.

NM_001035.3(RYR2):c.8173G>T (p.Ala2725Ser)

Gene: RYR2 (ryanodine receptor 2; plus strand). Cytogenetic location: 1q43.
Variant type: single nucleotide variant.
Coding change: c.8173G>T on transcript NM_001035.3 (MANE Select); coding-DNA position 8173, G replaced by T.
Protein change: p.Ala2725Ser; replaces alanine 2725 with serine.
Molecular consequence: missense variant.
Genome position (GRCh38, 1-based): chr1:237,657,987, G>T. VCF-style: chr1-237657987-G-T. GRCh37 (hg19) VCF-style: chr1-237821287-G-T.
Other names: short protein forms A2725S.
Identifiers: ClinVar variation 3672520 (VCV003672520.3).
Genomic context (GRCh38, chr1:237,657,987, plus strand): 5'-CTTTACTTTTCTCATAGTATTACAATTCCTGAGAAATTGGAATACTTCATTAACAAATAT[G>T]CAGAACACTCCCATGACAAATGGTCAATGGACAAGGTAAAAAGAGTATTACATTCTAATT-3'
Protein context (NP_001026.2, residues 2715-2735): EKLEYFINKY[Ala2725Ser]EHSHDKWSMD